The following is an entry in ClinVar:

NM_001080517.3(SETD5):c.976C>T (p.Leu326Phe)

Gene: SETD5 (SET domain containing 5; plus strand). Cytogenetic location: 3p25.3.
Variant type: single nucleotide variant.
Coding change: c.976C>T on transcript NM_001080517.3 (MANE Select); coding-DNA position 976, C replaced by T.
Protein change: p.Leu326Phe; replaces leucine 326 with phenylalanine.
Molecular consequence: missense variant.
Genome position (GRCh38, 1-based): chr3:9,442,144, C>T. VCF-style: chr3-9442144-C-T. GRCh37 (hg19) VCF-style: chr3-9483828-C-T.
Other names: c.1033C>T, p.Leu345Phe (NM_001437635.1); c.976C>T, p.Leu326Phe (NM_001437643.1); c.1015C>T, p.Leu339Phe (NM_001437701.1); c.682C>T, p.Leu228Phe (NM_001292043.2, NM_001349451.2); c.1072C>T, p.Leu358Phe (NM_001437633.1); short protein forms L228F, L326F, L339F, L345F, L358F.
Identifiers: ClinVar variation 5037654 (VCV005037654.1).

ClinVar aggregate classification (germline): Uncertain significance (1 of 4 stars; one submission).

Submission:

GeneDx
Classification: Uncertain significance. Last evaluated: 2026-04-26. Review status: criteria provided, single submitter. Criteria: GeneDx Variant Classification Process June 2021. Collection method: clinical testing. Allele origin: germline.
Comment: Not observed at significant frequency in large population cohorts (gnomAD); In silico analysis suggests that this missense variant does not alter protein structure/function; Has not been previously published as pathogenic or benign to our knowledge